The following is an entry in ClinVar:

NM_000135.4(FANCA):c.1394G>C (p.Cys465Ser)

Gene: FANCA (FA complementation group A; minus strand). Cytogenetic location: 16q24.3.
Variant type: single nucleotide variant.
Coding change: c.1394G>C on transcript NM_000135.4 (MANE Select); coding-DNA position 1394, G replaced by C.
Protein change: p.Cys465Ser; replaces cysteine 465 with serine.
Molecular consequence: missense variant.
Genome position (GRCh38, 1-based): chr16:89,784,930, C>G on the plus strand (G>C on the coding strand, the complement: FANCA is on the minus strand). VCF-style: chr16-89784930-C-G. GRCh37 (hg19) VCF-style: chr16-89851338-C-G.
Other names: c.1394G>C (NM_000135.2); c.1394G>C, p.Cys465Ser (NM_001286167.3); short protein forms C465S.
Identifiers: ClinVar variation 1039034 (VCV001039034.10), dbSNP rs2039847109, ClinGen allele CA397460075.

ClinVar aggregate classification (germline): Uncertain significance. Review status: criteria provided, multiple submitters, no conflicts (2 of 4 stars). 3 submissions from 3 submitters: Uncertain significance (3). Last evaluated 2025-01-31.

Conditions:
Inborn genetic diseases. Identifiers: MedGen C0950123, MeSH D030342.
Fanconi anemia (FA). Also called: Fanconi's anemia. Identifiers: Orphanet 84, MedGen C0015625, MeSH D005199, MONDO:0019391.
Fanconi anemia complementation group A (FANCA). Also called: Fanconi anemia, group A; FANCA-Related Fanconi Anemia. Identifiers: Orphanet 84, MedGen C3469521, MONDO:0009215, OMIM 227650.

gnomAD v4.1: 2 of 1,614,124 alleles (0.00012%); highest among the groups gnomAD compares: Admixed American, 0.0017%; no homozygotes.

Submissions (3):

Ambry Genetics
Classification: Uncertain significance for Inborn genetic diseases. Last evaluated: 2025-01-31. Review status: criteria provided, single submitter. Criteria: Ambry Variant Classification Scheme 2023. Collection method: clinical testing. Allele origin: germline.
Comment: The p.C465S variant (also known as c.1394G>C), located in coding exon 15 of the FANCA gene, results from a G to C substitution at nucleotide position 1394. The cysteine at codon 465 is replaced by serine, an amino acid with dissimilar properties. This amino acid position is conserved. In addition, this alteration is predicted to be tolerated by in silico analysis. Based on the available evidence, the clinical significance of this variant remains unclear.

Labcorp Genetics (formerly Invitae), Labcorp
Classification: Uncertain significance for Fanconi anemia. Last evaluated: 2024-02-15. Review status: criteria provided, single submitter. Criteria: Invitae Variant Classification Sherloc (09022015). Collection method: clinical testing. Allele origin: germline.
Comment: This sequence change replaces cysteine, which is neutral and slightly polar, with serine, which is neutral and polar, at codon 465 of the FANCA protein (p.Cys465Ser). This variant is not present in population databases (gnomAD no frequency). This variant has not been reported in the literature in individuals affected with FANCA-related conditions. ClinVar contains an entry for this variant (Variation ID: 1039034). Advanced modeling of protein sequence and biophysical properties (such as structural, functional, and spatial information, amino acid conservation, physicochemical variation, residue mobility, and thermodynamic stability) performed at Invitae indicates that this missense variant is not expected to disrupt FANCA protein function with a negative predictive value of 80%. In summary, the available evidence is currently insufficient to determine the role of this variant in disease. Therefore, it has been classified as a Variant of Uncertain Significance.

Fulgent Genetics
Classification: Uncertain significance for Fanconi anemia complementation group A. Last evaluated: 2022-03-05. Review status: criteria provided, single submitter. Criteria: ACMG Guidelines, 2015. Collection method: clinical testing. Allele origin: unknown.